The following is an entry in ClinVar:

NM_006662.3(SRCAP):c.7926G>T (p.Leu2642Phe)

Gene: SRCAP (Snf2 related CREBBP activator protein; plus strand). Cytogenetic location: 16p11.2.
Variant type: single nucleotide variant.
Coding change: c.7926G>T on transcript NM_006662.3 (MANE Select); coding-DNA position 7926, G replaced by T.
Protein change: p.Leu2642Phe; replaces leucine 2642 with phenylalanine.
Molecular consequence: missense variant.
Genome position (GRCh38, 1-based): chr16:30,737,966, G>T. VCF-style: chr16-30737966-G-T. GRCh37 (hg19) VCF-style: chr16-30749287-G-T.
Other names: short protein forms L2642F.
Identifiers: ClinVar variation 2982797 (VCV002982797.3), dbSNP rs752515951, ClinGen allele CA8012580.

ClinVar aggregate classification (germline): Uncertain significance (1 of 4 stars; one submission).

Allele frequency attached by ClinVar (database versions not stated): TOPMed 0.00002; ExAC 0.00003; gnomAD 0.00001; gnomAD exomes 0.00002.
gnomAD v4.1: 25 of 1,614,012 alleles (0.0015%); highest among the groups gnomAD compares: Admixed American, 0.012%; no homozygotes.

Submission:

Labcorp Genetics (formerly Invitae), Labcorp
Classification: Uncertain significance. Last evaluated: 2025-08-21. Review status: criteria provided, single submitter. Criteria: Invitae Variant Classification Sherloc (09022015). Collection method: clinical testing. Allele origin: germline.
Comment: This sequence change replaces leucine, which is neutral and non-polar, with phenylalanine, which is neutral and non-polar, at codon 2642 of the SRCAP protein (p.Leu2642Phe). This variant is present in population databases (rs752515951, gnomAD 0.01%). This variant has not been reported in the literature in individuals affected with SRCAP-related conditions. ClinVar contains an entry for this variant (Variation ID: 2982797). Invitae Evidence Modeling of protein sequence and biophysical properties (such as structural, functional, and spatial information, amino acid conservation, physicochemical variation, residue mobility, and thermodynamic stability) indicates that this missense variant is not expected to disrupt SRCAP protein function with a negative predictive value of 80%. In summary, the available evidence is currently insufficient to determine the role of this variant in disease. Therefore, it has been classified as a Variant of Uncertain Significance.